The following is an entry in ClinVar:

NM_006030.4(CACNA2D2):c.1996del (p.Leu666fs)

Gene: CACNA2D2 (calcium voltage-gated channel auxiliary subunit alpha2delta 2; minus strand). Cytogenetic location: 3p21.31.
Variant type: Deletion.
Coding change: c.1996del on transcript NM_006030.4 (MANE Select); coding-DNA position 1996, one base deleted (C; older notation c.1996delC).
Protein change: p.Leu666fs; shifts the reading frame from leucine 666.
Molecular consequence: frameshift variant.
Genome position (GRCh38, 1-based): chr3:50,370,369, G deleted on the plus strand (C on the coding strand, the reverse complement: CACNA2D2 is on the minus strand); the first of 2 consecutive G bases (chr3:50,370,369-50,370,370); deleting either gives the same sequence. VCF-style (leftmost placement, unchanged base first): chr3-50370368-AG-A. GRCh37 (hg19) VCF-style: chr3-50407799-AG-A.
Other names: c.1996del, p.Leu666fs (NM_001005505.3, NM_001410768.1); c.2017del, p.Leu673fs (NM_001174051.3); c.1789del, p.Leu597fs (NM_001291101.1); short protein forms L673fs, L597fs, L666fs.
Identifiers: ClinVar variation 2701646 (VCV002701646.3), dbSNP rs2471000564, ClinGen allele CA2697550979.
Genomic context (GRCh38, chr3:50,370,368, plus strand): 5'-CACGCAAGCTACCTGGGAGCAATGAAAACGTGTCCTTCAGACTCAAAGCTGCTGGGGAGC[AG>A]GAACTCAAAATCTGCAACAGAAACGGGGGGTTATCCGGCGGGGGCTGGGGAGGCTGGAGG-3'

ClinVar aggregate classification (germline): Pathogenic (1 of 4 stars; one submission).

Conditions:
Early-infantile DEE. Also called: Ohtahara syndrome; Early infantile epileptic encephalopathy with suppression bursts; Early infantile epileptic encephalopathy. Identifiers: Orphanet 1934, MedGen C0393706, MONDO:0800491.

Submission:

Labcorp Genetics (formerly Invitae), Labcorp
Classification: Pathogenic for Early-infantile DEE. Last evaluated: 2024-11-05. Review status: criteria provided, single submitter. Criteria: Invitae Variant Classification Sherloc (09022015). Collection method: clinical testing. Allele origin: germline.
Comment: This sequence change creates a premature translational stop signal (p.Leu666Cysfs*23) in the CACNA2D2 gene. It is expected to result in an absent or disrupted protein product. Loss-of-function variants in CACNA2D2 are known to be pathogenic (PMID: 24358150). This variant is not present in population databases (gnomAD no frequency). This variant has not been reported in the literature in individuals affected with CACNA2D2-related conditions. ClinVar contains an entry for this variant (Variation ID: 2701646). For these reasons, this variant has been classified as Pathogenic.

Literature cited by the submitters: PubMed 24358150.